The following is an entry in ClinVar:

ClinVar aggregate classification (germline): Uncertain significance (1 of 4 stars; one submission).

Conditions:
Lipoic acid synthetase deficiency. Also called: HYPERGLYCINEMIA, LACTIC ACIDOSIS, AND SEIZURES. Identifiers: Orphanet 401859, MedGen C3280887, MONDO:0013762, OMIM 614462.

Allele frequency attached by ClinVar (database versions not stated): gnomAD exomes below 0.00001; gnomAD 0.00001; TOPMed 0.00001.
gnomAD v4.1: 5 of 1,573,186 alleles (0.00032%); highest among the groups gnomAD compares: African/African-American, 0.0014%; no homozygotes.

Submission:

Labcorp Genetics (formerly Invitae), Labcorp
Classification: Uncertain significance for Lipoic acid synthetase deficiency. Last evaluated: 2022-06-27. Review status: criteria provided, single submitter. Criteria: Invitae Variant Classification Sherloc (09022015). Collection method: clinical testing. Allele origin: germline.
Comment: Algorithms developed to predict the effect of missense changes on protein structure and function (SIFT, PolyPhen-2, Align-GVGD) all suggest that this variant is likely to be tolerated. In summary, the available evidence is currently insufficient to determine the role of this variant in disease. Therefore, it has been classified as a Variant of Uncertain Significance. ClinVar contains an entry for this variant (Variation ID: 839857). This variant has not been reported in the literature in individuals affected with LIAS-related conditions. This variant is not present in population databases (gnomAD no frequency). This sequence change replaces cysteine, which is neutral and slightly polar, with tryptophan, which is neutral and slightly polar, at codon 22 of the LIAS protein (p.Cys22Trp).

NM_006859.4(LIAS):c.66C>G (p.Cys22Trp)

Gene: LIAS (lipoic acid synthetase; plus strand). Cytogenetic location: 4p14.
Variant type: single nucleotide variant.
Coding change: c.66C>G on transcript NM_006859.4 (MANE Select); coding-DNA position 66, C replaced by G.
Protein change: p.Cys22Trp; replaces cysteine 22 with tryptophan.
Molecular consequence: missense variant.
Genome position (GRCh38, 1-based): chr4:39,460,810, C>G. VCF-style: chr4-39460810-C-G. GRCh37 (hg19) VCF-style: chr4-39462430-C-G.
Other names: c.66C>G, p.Cys22Trp (NM_001278590.2, NM_001278591.2, NM_001278592.2 and 2 more transcripts); short protein forms C22W.
Identifiers: ClinVar variation 839857 (VCV000839857.6), dbSNP rs529501318, ClinGen allele CA95724854.